The following is an entry in ClinVar:

ClinVar aggregate classification (germline): Benign/Likely benign. Review status: criteria provided, multiple submitters, no conflicts (2 of 4 stars). 3 submissions from 3 submitters: Benign (1); Likely benign (2). Last evaluated 2025-07-08.

Conditions:
Juvenile polyposis syndrome (JPS). Identifiers: Orphanet 2929, MedGen C0345893, MONDO:0017380, OMIM 174900.
Hereditary cancer-predisposing syndrome. Also called: Hereditary neoplastic syndrome; Neoplastic Syndromes, Hereditary; Tumor predisposition; Hereditary Cancer Syndrome. Identifiers: Orphanet 140162, MedGen C0027672, MeSH D009386, MONDO:0015356.
Juvenile polyposis/hereditary hemorrhagic telangiectasia syndrome (JPHT). Also called: Juvenile Polyposis Syndrome / Hereditary Hemorrhagic Telangiectasia (JPS/HHT); JP/HHT SYNDROME; JUVENILE POLYPOSIS WITH HEREDITARY HEMORRHAGIC TELANGIECTASIA; POLYPOSIS, GENERALIZED JUVENILE, WITH PULMONARY ARTERIOVENOUS MALFORMATION; TELANGIECTASIA, HEREDITARY HEMORRHAGIC, WITH JUVENILE POLYPOSIS COLI. Identifiers: Orphanet 2929, MedGen C1832942, MONDO:0008278, OMIM 175050.

Submissions (3):

Labcorp Genetics (formerly Invitae), Labcorp
Classification: Likely benign for Juvenile polyposis syndrome. Last evaluated: 2025-07-08. Review status: criteria provided, single submitter. Criteria: Invitae Variant Classification Sherloc (09022015). Collection method: clinical testing. Allele origin: germline.

Myriad Genetics, Inc.
Classification: Benign for Juvenile polyposis/hereditary hemorrhagic telangiectasia syndrome. Last evaluated: 2025-03-20. Review status: criteria provided, single submitter. Criteria: Myriad Autosomal Dominant, Autosomal Recessive and X-Linked Classification Criteria (2023). Collection method: clinical testing. Allele origin: unknown.
Comment: This variant is considered benign. This variant is a silent/synonymous amino acid change and it is not expected to impact splicing.

Color Diagnostics, LLC DBA Color Health
Classification: Likely benign for Hereditary cancer-predisposing syndrome. Last evaluated: 2018-10-02. Review status: criteria provided, single submitter. Criteria: ACMG Guidelines, 2015. Collection method: clinical testing. Allele origin: germline.

NM_005359.6(SMAD4):c.1008A>G (p.Gly336=)

Gene: SMAD4 (SMAD family member 4; plus strand). Cytogenetic location: 18q21.2.
Variant type: single nucleotide variant.
Coding change: c.1008A>G on transcript NM_005359.6 (MANE Select); coding-DNA position 1008, A replaced by G.
Protein change: p.Gly336=; no amino-acid change (glycine 336 retained).
Molecular consequence: synonymous variant.
Genome position (GRCh38, 1-based): chr18:51,065,475, A>G. VCF-style: chr18-51065475-A-G. GRCh37 (hg19) VCF-style: chr18-48591845-A-G.
Identifiers: ClinVar variation 629410 (VCV000629410.14), dbSNP rs1555686461, ClinGen allele CA503874107.